The following is an entry in ClinVar:

ClinVar aggregate classification (germline): Uncertain significance (1 of 4 stars; one submission).

Conditions:
Temple-Baraitser syndrome (TMBTS). Also called: Severe mental retardation and absent nails of hallux and pollex. Identifiers: Orphanet 420561, MedGen C2678486, MONDO:0012735, OMIM 611816.
Zimmermann-Laband syndrome 1 (ZLS1). Identifiers: Orphanet 3473, MedGen C4551773, MONDO:0024526, OMIM 135500.

Submission:

Juno Genomics, Hangzhou Juno Genomics, Inc
Classification: Uncertain significance for Temple-Baraitser syndrome; Zimmermann-Laband syndrome 1. Review status: criteria provided, single submitter. Criteria: ACMG Guidelines, 2015. Collection method: clinical testing. Allele origin: germline.
Comment: Missense variant in a gene that has a low rate of benign missense variation.;Multiple lines of computational evidence support a deleterious effect on the gene or gene product.;Absent from controls (or at extremely low frequency if recessive) in Genome Aggregation Database.

NM_172362.3(KCNH1):c.301A>G (p.Lys101Glu)

Gene: KCNH1 (potassium voltage-gated channel subfamily H member 1; minus strand). Cytogenetic location: 1q32.2.
Variant type: single nucleotide variant.
Coding change: c.301A>G on transcript NM_172362.3 (MANE Select); coding-DNA position 301, A replaced by G.
Protein change: p.Lys101Glu; replaces lysine 101 with glutamic acid.
Molecular consequence: missense variant.
Genome position (GRCh38, 1-based): chr1:211,103,505, T>C on the plus strand (A>G on the coding strand, the complement: KCNH1 is on the minus strand). VCF-style: chr1-211103505-T-C. GRCh37 (hg19) VCF-style: chr1-211276847-T-C.
Other names: c.301A>G, p.Lys101Glu (NM_002238.4); short protein forms K101E.
Identifiers: ClinVar variation 5005670 (VCV005005670.2).